The following is an entry in ClinVar:

NM_000942.5(PPIB):c.336C>T (p.Gly112=)

Gene: PPIB (peptidylprolyl isomerase B; minus strand). Cytogenetic location: 15q22.31.
Variant type: single nucleotide variant.
Coding change: c.336C>T on transcript NM_000942.5 (MANE Select); coding-DNA position 336, C replaced by T.
Protein change: p.Gly112=; no amino-acid change (glycine 112 retained).
Molecular consequence: synonymous variant.
Genome position (GRCh38, 1-based): chr15:64,160,111, G>A on the plus strand (C>T on the coding strand, the complement: PPIB is on the minus strand). VCF-style: chr15-64160111-G-A. GRCh37 (hg19) VCF-style: chr15-64452310-G-A.
Identifiers: ClinVar variation 3046326 (VCV003046326.2), dbSNP rs868257669, ClinGen allele CA271413093.

ClinVar aggregate classification (germline): Likely benign (0 of 4 stars; one submission).

Conditions:
PPIB-related disorder. Also called: PPIB-related condition.

Allele frequency attached by ClinVar (database versions not stated): gnomAD exomes below 0.00001.
gnomAD v4.1: 4 of 1,612,398 alleles (0.00025%); highest among the groups gnomAD compares: Middle Eastern, 0.066%; no homozygotes.

Submission:

PreventionGenetics, part of Exact Sciences
Classification: Likely benign for PPIB-related condition. Last evaluated: 2019-02-22. Review status: no assertion criteria provided. Collection method: clinical testing. Allele origin: germline.
Comment: This variant is classified as likely benign based on ACMG/AMP sequence variant interpretation guidelines (Richards et al. 2015 PMID: 25741868, with internal and published modifications).